The following is an entry in ClinVar:

ClinVar aggregate classification (germline): Uncertain significance. Review status: criteria provided, multiple submitters, no conflicts (2 of 4 stars). 2 submissions from 2 submitters: Uncertain significance (2). Last evaluated 2025-08-27.

Conditions:
D-2-hydroxyglutaric aciduria 2 (D2HGA2). Identifiers: Orphanet 79315, MedGen C3150909, MONDO:0013345, OMIM 613657.

Allele frequency attached by ClinVar (database versions not stated): ExAC 0.00002; gnomAD 0.00003; TOPMed 0.00005; gnomAD exomes 0.00001; 1000 Genomes Project 30x 0.00016; 1000 Genomes Project 0.00020; ESP Exome Variant Server 0.00008.
gnomAD v4.1: 17 of 1,611,900 alleles (0.0011%); highest among the groups gnomAD compares: African/African-American, 0.0067%; no homozygotes.

Submissions (2):

Labcorp Genetics (formerly Invitae), Labcorp
Classification: Uncertain significance for D-2-hydroxyglutaric aciduria 2. Last evaluated: 2025-08-27. Review status: criteria provided, single submitter. Criteria: Invitae Variant Classification Sherloc (09022015). Collection method: clinical testing. Allele origin: germline.
Comment: This sequence change falls in intron 10 of the IDH2 gene. It does not directly change the encoded amino acid sequence of the IDH2 protein. It affects a nucleotide within the consensus splice site. This variant is present in population databases (rs369912137, gnomAD 0.008%). This variant has not been reported in the literature in individuals affected with IDH2-related conditions. ClinVar contains an entry for this variant (Variation ID: 2691696). Variants that disrupt the consensus splice site are a relatively common cause of aberrant splicing (PMID: 17576681, 9536098). Algorithms developed to predict the effect of sequence changes on RNA splicing suggest that this variant is not likely to affect RNA splicing. In summary, the available evidence is currently insufficient to determine the role of this variant in disease. Therefore, it has been classified as a Variant of Uncertain Significance.

Women's Health and Genetics/Laboratory Corporation of America, LabCorp
Classification: Uncertain significance. Last evaluated: 2023-12-14. Review status: criteria provided, single submitter. Criteria: LabCorp Variant Classification Summary - May 2015. Collection method: clinical testing. Allele origin: germline.
Comment: Variant summary: IDH2 c.1271+3G>A alters a conserved nucleotide located close to a canonical splice site and therefore could affect mRNA splicing, leading to a significantly altered protein sequence. Several computational tools predict a significant impact on normal splicing: Four predict the variant weakens a 5' donor site. However, these predictions have yet to be confirmed by functional studies. The variant allele was found at a frequency of 1.2e-05 in 251080 control chromosomes. The available data on variant occurrences in the general population are insufficient to allow any conclusion about variant significance. To our knowledge, no occurrence of c.1271+3G>A in individuals affected with D-2-hydroxyglutaric aciduria 2 and no experimental evidence demonstrating its impact on protein function have been reported. No submitters have cited clinical-significance assessments for this variant to ClinVar after 2014. Based on the evidence outlined above, the variant was classified as uncertain significance.

Literature cited by the submitters: PubMed 17576681 (cited by Labcorp Genetics (formerly Invitae), Labcorp); PubMed 9536098 (cited by Labcorp Genetics (formerly Invitae), Labcorp).

NM_002168.4(IDH2):c.1271+3G>A

Gene: IDH2 (isocitrate dehydrogenase (NADP(+)) 2; minus strand). Cytogenetic location: 15q26.1.
Variant type: single nucleotide variant.
Coding change: c.1271+3G>A on transcript NM_002168.4 (MANE Select); 3 bases into the intron after coding-DNA position 1271, G replaced by A.
Molecular consequence: intron variant.
Genome position (GRCh38, 1-based): chr15:90,084,813, C>T on the plus strand (G>A on the coding strand, the complement: IDH2 is on the minus strand). VCF-style: chr15-90084813-C-T. GRCh37 (hg19) VCF-style: chr15-90628045-C-T.
Other names: c.881+3G>A (NM_001290114.2); c.1115+3G>A (NM_001289910.1).
Identifiers: ClinVar variation 2691696 (VCV002691696.3), dbSNP rs369912137, ClinGen allele CA7732905.
Genomic context (GRCh38, chr15:90,084,813, plus strand): 5'-GAGGGGTCCCCTGGCTTCCTCCCACATGGCCCCAGGGTCTGCCTACCACCCCAGGCCACG[C>T]ACTTGCTGAGGCCGTGAATGCAGCCCGCCAGGTCCTTGGTCATGGCTCCACTCTCCACCG-3'